The following is an entry in ClinVar:

NM_176824.3(BBS7):c.278T>C (p.Phe93Ser)

Gene: BBS7 (Bardet-Biedl syndrome 7; minus strand). Cytogenetic location: 4q27.
Variant type: single nucleotide variant.
Coding change: c.278T>C on transcript NM_176824.3 (MANE Select); coding-DNA position 278, T replaced by C.
Protein change: p.Phe93Ser; replaces phenylalanine 93 with serine.
Molecular consequence: missense variant.
Genome position (GRCh38, 1-based): chr4:121,861,567, A>G on the plus strand (T>C on the coding strand, the complement: BBS7 is on the minus strand). VCF-style: chr4-121861567-A-G. GRCh37 (hg19) VCF-style: chr4-122782722-A-G.
Other names: c.278T>C, p.Phe93Ser (NM_018190.4); short protein forms F93S.
Identifiers: ClinVar variation 3353571 (VCV003353571.2).
Genomic context (GRCh38, chr4:121,861,567, plus strand): 5'-GCTTTAATGCTTTCAGTGAGGTTTGTTTCAAAGGAGAGGAACTGTTTTCCTCTTTTTGTG[A>G]AGCCTCTAATCTCAGATGCTGCAGCAATAAAAATTTTCTCCTGAGGTGTGTTGATAACCC-3'
Protein context (NP_789794.1, residues 83-103): FIAAASEIRG[Phe93Ser]TKRGKQFLSF

ClinVar aggregate classification (germline): Uncertain significance. Review status: criteria provided, single submitter (1 of 4 stars). 2 submissions from 2 submitters: Uncertain significance (1). 1 of the submissions does not count toward it. Last evaluated 2024-04-27.

Conditions:
Bardet-Biedl syndrome 7 (BBS7). Identifiers: Orphanet 110, MedGen C1859565, MONDO:0014435, OMIM 615984.
BBS7-related disorder. Also called: BBS7-related condition.

gnomAD v4.1: 1 of 1,613,676 alleles (0.000062%); highest among the groups gnomAD compares: African/African-American, 0.0013%; no homozygotes.

Submissions (2):

Fulgent Genetics
Classification: Uncertain significance for Bardet-Biedl syndrome 7. Last evaluated: 2024-04-27. Review status: criteria provided, single submitter. Criteria: ACMG Guidelines, 2015. Collection method: clinical testing. Allele origin: germline.

PreventionGenetics, part of Exact Sciences
Classification: Uncertain significance for BBS7-related condition. Last evaluated: 2024-07-08. Review status: no assertion criteria provided. Collection method: clinical testing. Allele origin: germline. Not counted in ClinVar's aggregate classification.
Comment: The BBS7 c.278T>C variant is predicted to result in the amino acid substitution p.Phe93Ser. To our knowledge, this variant has not been reported in the literature. This variant is reported in 0.011% of alleles in individuals of African descent in gnomAD. At this time, the clinical significance of this variant is uncertain due to the absence of conclusive functional and genetic evidence.